The following is an entry in ClinVar:

NM_001099287.2(NIPAL4):c.658G>A (p.Gly220Arg)

Gene: NIPAL4 (NIPA like domain containing 4; plus strand). Cytogenetic location: 5q33.3.
Variant type: single nucleotide variant.
Coding change: c.658G>A on transcript NM_001099287.2 (MANE Select); coding-DNA position 658, G replaced by A.
Protein change: p.Gly220Arg; replaces glycine 220 with arginine.
Molecular consequence: missense variant.
Genome position (GRCh38, 1-based): chr5:157,472,403, G>A. VCF-style: chr5-157472403-G-A. GRCh37 (hg19) VCF-style: chr5-156899411-G-A.
Other names: c.601G>A, p.Gly201Arg (NM_001172292.2); short protein forms G282R, G263R, G220R, G201R.
Identifiers: ClinVar variation 638549 (VCV000638549.3), dbSNP rs757041309, ClinGen allele CA3534711.

ClinVar aggregate classification (germline): Uncertain significance. Review status: criteria provided, single submitter (1 of 4 stars). 2 submissions from 2 submitters: Uncertain significance (1). 1 of the submissions does not count toward it. Last evaluated 2024-11-15.

Conditions:
Autosomal recessive congenital ichthyosis 6 (ARCI6). Identifiers: Orphanet 313, Orphanet 79394, MedGen C2677065, MONDO:0012847, OMIM 612281.

Allele frequency attached by ClinVar (database versions not stated): gnomAD exomes below 0.00001; ExAC 0.00001; gnomAD 0.00001; TOPMed 0.00002.
gnomAD v4.1: 6 of 1,613,226 alleles (0.00037%); highest among the groups gnomAD compares: South Asian, 0.0022%; no homozygotes.

Submissions (2):

Women's Health and Genetics/Laboratory Corporation of America, LabCorp
Classification: Uncertain significance. Last evaluated: 2024-11-15. Review status: criteria provided, single submitter. Criteria: LabCorp Variant Classification Summary - May 2015. Collection method: clinical testing. Allele origin: germline.
Comment: Variant summary: NIPAL4 c.658G>A (p.Gly220Arg) results in a non-conservative amino acid change in the encoded protein sequence. Four of four in-silico tools predict a damaging effect of the variant on protein function. The variant allele was found at a frequency of 4e-06 in 249088 control chromosomes. The available data on variant occurrences in the general population are insufficient to allow any conclusion about variant significance. c.658G>A has been reported in the literature as c.844G>A, p.Gly282Arg in at-least one individual affected with Lamellar Ichthyosis (example: Ballin_2019 ). These data do not allow any conclusion about variant significance. To our knowledge, no experimental evidence demonstrating an impact on protein function has been reported. The following publication has been ascertained in the context of this evaluation (PMID: 31347739). ClinVar contains an entry for this variant (Variation ID: 638549). Based on the evidence outlined above, the variant was classified as uncertain significance.

Institute for Human Genetics, University Medical Center Freiburg
Classification: Pathogenic for Autosomal recessive congenital ichthyosis 6. Last evaluated: 2019-05-16. Review status: no assertion criteria provided. Collection method: clinical testing. Allele origin: germline. Affected: yes. Not counted in ClinVar's aggregate classification.

Literature cited by the submitters: PubMed 31347739 (cited by Women's Health and Genetics/Laboratory Corporation of America, LabCorp).